The following is an entry in ClinVar:

NM_001928.4(CFD):c.461G>C (p.Gly154Ala)

Gene: CFD (complement factor D; plus strand). Cytogenetic location: 19p13.3.
Variant type: single nucleotide variant.
Coding change: c.461G>C on transcript NM_001928.4 (MANE Select); coding-DNA position 461, G replaced by C.
Protein change: p.Gly154Ala; replaces glycine 154 with alanine.
Molecular consequence: missense variant.
Genome position (GRCh38, 1-based): chr19:861,802, G>C. VCF-style: chr19-861802-G-C. GRCh37 (hg19) VCF-style: chr19-861802-G-C.
Other names: c.482G>C, p.Gly161Ala (NM_001317335.2); short protein forms G161A, G154A.
Identifiers: ClinVar variation 4745272 (VCV004745272.1).

ClinVar aggregate classification (germline): Uncertain significance (1 of 4 stars; one submission).

Submission:

Labcorp Genetics (formerly Invitae), Labcorp
Classification: Uncertain significance. Last evaluated: 2025-11-24. Review status: criteria provided, single submitter. Criteria: Invitae Variant Classification Sherloc (09022015). Collection method: clinical testing. Allele origin: germline.
Comment: This sequence change replaces glycine, which is neutral and non-polar, with alanine, which is neutral and non-polar, at codon 154 of the CFD protein (p.Gly154Ala). This variant is not present in population databases (gnomAD no frequency). This variant has not been reported in the literature in individuals affected with CFD-related conditions. An algorithm developed to predict the effect of missense changes on protein structure and function (PolyPhen-2) suggests that this variant is likely to be disruptive. In summary, the available evidence is currently insufficient to determine the role of this variant in disease. Therefore, it has been classified as a Variant of Uncertain Significance.